The following is an entry in ClinVar:

NM_001384474.1(LOXHD1):c.2871G>A (p.Ser957=)

Gene: LOXHD1 (lipoxygenase homology PLAT domains 1; minus strand). Cytogenetic location: 18q21.1.
Variant type: single nucleotide variant.
Coding change: c.2871G>A on transcript NM_001384474.1 (MANE Select); coding-DNA position 2871, G replaced by A.
Protein change: p.Ser957=; no amino-acid change (serine 957 retained).
Molecular consequence: synonymous variant.
Genome position (GRCh38, 1-based): chr18:46,560,273, C>T on the plus strand (G>A on the coding strand, the complement: LOXHD1 is on the minus strand). VCF-style: chr18-46560273-C-T. GRCh37 (hg19) VCF-style: chr18-44140236-C-T.
Other names: c.2871G>A, p.Ser957= (NM_144612.7).
Identifiers: ClinVar variation 226715 (VCV000226715.22), dbSNP rs181591912, ClinGen allele CA8952602.

ClinVar aggregate classification (germline): Conflicting classifications of pathogenicity. Review status: criteria provided, conflicting classifications (1 of 4 stars). 6 submissions from 6 submitters: Uncertain significance (1); Benign (3); Likely benign (2). Last evaluated 2026-01-26.

Conditions:
Autosomal recessive nonsyndromic hearing loss 77. Identifiers: Orphanet 90636, MedGen C2746083, MONDO:0013119, OMIM 613079.

Allele frequency attached by ClinVar (database versions not stated): gnomAD exomes 0.00048 and 0.00109; ExAC 0.00211; gnomAD 0.00456 and 0.00482; TOPMed 0.00518; ESP Exome Variant Server 0.00526; 1000 Genomes Project 30x 0.00531; 1000 Genomes Project 0.00579.
gnomAD v4.1: 1,358 of 1,548,014 alleles (0.088%); highest among the groups gnomAD compares: African/African-American, 1.6%; 9 homozygotes.

Submissions (6):

Labcorp Genetics (formerly Invitae), Labcorp
Classification: Benign. Last evaluated: 2026-01-26. Review status: criteria provided, single submitter. Criteria: Invitae Variant Classification Sherloc (09022015). Collection method: clinical testing. Allele origin: germline.

Blueprint Genetics
Classification: Likely benign. Last evaluated: 2024-11-18. Review status: criteria provided, single submitter. Criteria: ACMG Guidelines, 2015. Collection method: clinical testing. Allele origin: germline.

ARUP Laboratories, Molecular Genetics and Genomics, ARUP Laboratories
Classification: Benign for Autosomal recessive nonsyndromic hearing loss 77. Last evaluated: 2022-07-15. Review status: criteria provided, single submitter. Criteria: ARUP Molecular Germline Variant Investigation Process 2021. Collection method: clinical testing. Allele origin: germline.

GeneDx
Classification: Likely benign. Last evaluated: 2018-03-20. Review status: criteria provided, single submitter. Criteria: GeneDx Variant Classification (06012015). Collection method: clinical testing. Allele origin: germline. Affected: yes.
Comment: This variant is considered likely benign or benign based on one or more of the following criteria: it is a conservative change, it occurs at a poorly conserved position in the protein, it is predicted to be benign by multiple in silico algorithms, and/or has population frequency not consistent with disease.

Illumina Laboratory Services, Illumina
Classification: Uncertain significance for Autosomal recessive nonsyndromic hearing loss 77. Last evaluated: 2018-01-13. Review status: criteria provided, single submitter. Criteria: ICSL Variant Classification Criteria 13 December 2019. Collection method: clinical testing. Allele origin: germline.

Laboratory for Molecular Medicine, Mass General Brigham Personalized Medicine
Classification: Benign. Last evaluated: 2015-08-11. Review status: criteria provided, single submitter. Criteria: LMM Criteria. Collection method: clinical testing. Allele origin: germline. Observed: 6 variant alleles.
Comment: p.Ser957Ser in exon 19 of LOXHD1: This variant is not expected to have clinical significance because it does not alter an amino acid residue and is not located within the splice consensus sequence. It has been identified in 1.53% (43/2804) of African chromosomes by the Exome Aggregation Consortium (ExAC; rs181591912).